The following is an entry in ClinVar:

NM_001267550.2(TTN):c.63146del (p.Pro21049fs)

Genes: TTN-AS1 (TTN antisense RNA 1; plus strand), TTN (titin; minus strand). Cytogenetic location: 2q31.2.
Variant type: Deletion.
Coding change: c.63146del on transcript NM_001267550.2 (MANE Select); coding-DNA position 63146, one base deleted (C; older notation c.63146delC).
Protein change: p.Pro21049fs; shifts the reading frame from proline 21049.
Molecular consequence: frameshift variant.
Genome position (GRCh38, 1-based): chr2:178,588,579, G deleted on the plus strand (C on the coding strand, the reverse complement: TTN is on the minus strand); the first of 2 consecutive G bases (chr2:178,588,579-178,588,580); deleting either gives the same sequence. VCF-style (leftmost placement, unchanged base first): chr2-178588578-TG-T. GRCh37 (hg19) VCF-style: chr2-179453305-TG-T.
Other names: p.Pro21049GlnfsTer14; c.58223del, p.Pro19408fs (NM_001256850.1); c.35951del, p.Pro11984fs (NM_003319.4); c.55442del, p.Pro18481fs (NM_133378.4); c.36326del, p.Pro12109fs (NM_133432.3); c.36527del, p.Pro12176fs (NM_133437.4); short protein forms P12176fs, P11984fs, P18481fs, P12109fs, P19408fs, P21049fs.
Identifiers: ClinVar variation 3781336 (VCV003781336.1).

ClinVar aggregate classification (germline): Likely pathogenic (1 of 4 stars; one submission).

Conditions:
Dilated cardiomyopathy 1G (CMD1G). Identifiers: Orphanet 154, MedGen C1858763, MONDO:0011400, OMIM 604145.

Submission:

Foundation for Research in Genetics and Endocrinology, FRIGE's Institute of Human Genetics
Classification: Likely pathogenic for Dilated cardiomyopathy 1G. Last evaluated: 2025-04-18. Review status: criteria provided, single submitter. Criteria: ACMG Guidelines, 2015. Collection method: clinical testing. Allele origin: germline. Inheritance: Autosomal dominant inheritance. Affected: yes. Observed: 1 heterozygote.
Comment: A heterozygous single base pair deletion in exon 304 of the TTN gene (chr2:g.178588578 TG>T; Depth: 93x) that results in the frameshift and premature truncation of the protein, 14 amino acids downstream to codon 21049 (p.Pro21049GlnfsTer14; ENST00000589042.5) was detected. This variant has not been reported in the 1000 genomes and gnomAD databases. The in-silico prediction of the variant are possibly damaging by MutationTaster2. In summary, the variant meets our criteria to be classified as likely pathogenic.